The following is an entry in ClinVar:

NM_000551.4(VHL):c.222C>A (p.Val74=)

Gene: VHL (von Hippel-Lindau tumor suppressor; plus strand). Cytogenetic location: 3p25.3.
Variant type: single nucleotide variant.
Coding change: c.222C>A on transcript NM_000551.4 (MANE Select); coding-DNA position 222, C replaced by A.
Protein change: p.Val74=; no amino-acid change (valine 74 retained).
Molecular consequence: synonymous variant.
Genome position (GRCh38, 1-based): chr3:10,142,069, C>A. VCF-style: chr3-10142069-C-A. GRCh37 (hg19) VCF-style: chr3-10183753-C-A.
Other names: V75V; c.222C>A, p.Val74= (NM_001354723.2, NM_198156.3).
Identifiers: ClinVar variation 635350 (VCV000635350.8), dbSNP rs759737367, ClinGen allele CA432536430.

ClinVar aggregate classification (germline): Uncertain significance. Review status: criteria provided, single submitter (1 of 4 stars). 3 submissions from 3 submitters: Uncertain significance (1). 2 of the submissions do not count toward it. Last evaluated 2024-05-21.

Conditions:
Chuvash polycythemia. Also called: POLYCYTHEMIA, VHL-DEPENDENT. Identifiers: Orphanet 238557, MedGen C1837915, MONDO:0009892, OMIM 263400.
Von Hippel-Lindau syndrome (VHLS). Also called: Von Hippel-Lindau; VHL syndrome; von Hippel–Lindau syndrome. Identifiers: Orphanet 892, MedGen C0019562, MONDO:0008667, OMIM 193300. Disease mechanism: loss of function.

Submissions (3):

Labcorp Genetics (formerly Invitae), Labcorp
Classification: Uncertain significance for Von Hippel-Lindau syndrome; Chuvash polycythemia. Last evaluated: 2024-05-21. Review status: criteria provided, single submitter. Criteria: Invitae Variant Classification Sherloc (09022015). Collection method: clinical testing. Allele origin: germline.
Comment: This sequence change affects codon 74 of the VHL mRNA. It is a 'silent' change, meaning that it does not change the encoded amino acid sequence of the VHL protein. RNA analysis indicates that this variant induces altered splicing and may result in an absent or disrupted protein product. However, the current clinical and genetic evidence is not sufficient to establish whether loss-of-function variants in VHL cause disease. This variant is not present in population databases (gnomAD no frequency). This variant has been observed in individual(s) with autosomal recessive familial erythrocytosis (PMID: 32101665). ClinVar contains an entry for this variant (Variation ID: 635350). Studies have shown that this variant results in activation of a cryptic splice site and introduces a premature termination codon (PMID: 32101665). The resulting mRNA is expected to undergo nonsense-mediated decay. In summary, the available evidence is currently insufficient to determine the role of this variant in disease. Therefore, it has been classified as a Variant of Uncertain Significance.

OMIM
Classification: Pathogenic for ERYTHROCYTOSIS, FAMILIAL, 2. Last evaluated: 2021-02-09. Review status: no assertion criteria provided. Collection method: literature only. Allele origin: germline. Not counted in ClinVar's aggregate classification.

Cellular and Molecular Biology Laboratory, University of Campania Luigi Vanvitelli
Classification: Pathogenic for Chuvash polycythemia. Last evaluated: 2019-06-21. Review status: no assertion criteria provided. Collection method: in vitro, in vivo. Allele origin: not applicable. Inheritance: Autosomal recessive inheritance. Functional consequence: cryptic splice donor activation. Not counted in ClinVar's aggregate classification.
Comment: We highlighted changes in gene expression reprogramming carbohydrate and lipid metabolism, impairing muscle mitochondrial respiratory function and uncoupling oxygen consumption from ATP production. Moreover, we identified unusual intermitochondrial connecting ducts.

Literature cited by the submitters: PubMed 32101665 (cited by Labcorp Genetics (formerly Invitae), Labcorp and OMIM).